The following is an entry in ClinVar:

NM_001005361.3(DNM2):c.971G>A (p.Arg324His)

Gene: DNM2 (dynamin 2; plus strand). Cytogenetic location: 19p13.2.
Variant type: single nucleotide variant.
Coding change: c.971G>A on transcript NM_001005361.3 (MANE Select); coding-DNA position 971, G replaced by A.
Protein change: p.Arg324His; replaces arginine 324 with histidine.
Molecular consequence: missense variant.
Genome position (GRCh38, 1-based): chr19:10,786,685, G>A. VCF-style: chr19-10786685-G-A. GRCh37 (hg19) VCF-style: chr19-10897361-G-A.
Other names: c.971G>A, p.Arg324His (NM_001005360.3, NM_001005362.3, NM_001190716.2 and 1 more transcripts); short protein forms R324H.
Identifiers: ClinVar variation 3571589 (VCV003571589.3).

ClinVar aggregate classification (germline): Uncertain significance. Review status: criteria provided, multiple submitters, no conflicts (2 of 4 stars). 2 submissions from 2 submitters: Uncertain significance (2). Last evaluated 2024-11-02.

Conditions:
Charcot-Marie-Tooth disease dominant intermediate B (CMTDIB). Also called: Charcot-Marie-Tooth disease dominant intermediate 1; CMT DI1; Charcot-Marie-Tooth disease dominant intermediate I; CHARCOT-MARIE-TOOTH NEUROPATHY, DOMINANT INTERMEDIATE B. Identifiers: Orphanet 100044, Orphanet 228179, MedGen C1847902, MONDO:0011674, OMIM 606482.

gnomAD v4.1: 14 of 1,613,878 alleles (0.00087%); highest among the groups gnomAD compares: African/African-American, 0.0027%; no homozygotes.

Submissions (2):

Labcorp Genetics (formerly Invitae), Labcorp
Classification: Uncertain significance for Charcot-Marie-Tooth disease dominant intermediate B. Last evaluated: 2024-11-02. Review status: criteria provided, single submitter. Criteria: Invitae Variant Classification Sherloc (09022015). Collection method: clinical testing. Allele origin: germline.
Comment: This sequence change replaces arginine, which is basic and polar, with histidine, which is basic and polar, at codon 324 of the DNM2 protein (p.Arg324His). This variant is present in population databases (rs763669104, gnomAD 0.01%). This variant has not been reported in the literature in individuals affected with DNM2-related conditions. Invitae Evidence Modeling of protein sequence and biophysical properties (such as structural, functional, and spatial information, amino acid conservation, physicochemical variation, residue mobility, and thermodynamic stability) has been performed for this missense variant. However, the output from this modeling did not meet the statistical confidence thresholds required to predict the impact of this variant on DNM2 protein function. In summary, the available evidence is currently insufficient to determine the role of this variant in disease. Therefore, it has been classified as a Variant of Uncertain Significance.

Athena Diagnostics
Classification: Uncertain significance. Last evaluated: 2024-08-13. Review status: criteria provided, single submitter. Criteria: Athena Diagnostics Criteria. Collection method: clinical testing. Allele origin: unknown.